The following is an entry in ClinVar:

NM_000136.3(FANCC):c.491A>G (p.Asn164Ser)

Gene: FANCC (FA complementation group C; minus strand). Cytogenetic location: 9q22.32.
Variant type: single nucleotide variant.
Coding change: c.491A>G on transcript NM_000136.3 (MANE Select); coding-DNA position 491, A replaced by G.
Protein change: p.Asn164Ser; replaces asparagine 164 with serine.
Molecular consequence: missense variant.
Genome position (GRCh38, 1-based): chr9:95,171,109, T>C on the plus strand (A>G on the coding strand, the complement: FANCC is on the minus strand). VCF-style: chr9-95171109-T-C. GRCh37 (hg19) VCF-style: chr9-97933391-T-C.
Other names: c.491A>G, p.Asn164Ser (NM_001243743.2, NM_001243744.2); short protein forms N164S.
Identifiers: ClinVar variation 2565541 (VCV002565541.2), dbSNP rs950623649, ClinGen allele CA374338604.
Genomic context (GRCh38, chr9:95,171,109, plus strand): 5'-GAGAAGAAGGATGTTTAGTTTAACACCTACCGCCTTTGAGTGTTAAATCCATTAAGATGA[T>C]TCTCTCTGAGTTCAGACGCTAATGATAAAACCATCTGTAAAACAAAATCAGTTGCAGGTT-3'
Protein context (NP_000127.2, residues 154-174): VLSLASELRE[Asn164Ser]HLNGFNTQRR

ClinVar aggregate classification (germline): Uncertain significance (1 of 4 stars; one submission).

Conditions:
Hereditary cancer-predisposing syndrome. Also called: Neoplastic Syndromes, Hereditary; Hereditary Cancer Syndrome; Hereditary neoplastic syndrome; Tumor predisposition. Identifiers: Orphanet 140162, MedGen C0027672, MeSH D009386, MONDO:0015356.

Submission:

Ambry Genetics
Classification: Uncertain significance for Hereditary cancer-predisposing syndrome. Last evaluated: 2023-03-25. Review status: criteria provided, single submitter. Criteria: Ambry Variant Classification Scheme 2023. Collection method: clinical testing. Allele origin: germline.
Comment: The p.N164S variant (also known as c.491A>G), located in coding exon 5 of the FANCC gene, results from an A to G substitution at nucleotide position 491. The asparagine at codon 164 is replaced by serine, an amino acid with highly similar properties. This amino acid position is conserved. In addition, this alteration is predicted to be tolerated by in silico analysis. Since supporting evidence is limited at this time, the clinical significance of this alteration remains unclear.